The following is an entry in ClinVar:

NM_016553.5(NUP62):c.582G>A (p.Thr194=)

Genes: IL4I1 (interleukin 4 induced 1; minus strand), NUP62 (nucleoporin 62; minus strand). Cytogenetic location: 19q13.33.
Variant type: single nucleotide variant.
Coding change: c.582G>A on transcript NM_016553.5 (MANE Select); coding-DNA position 582, G replaced by A.
Protein change: p.Thr194=; no amino-acid change (threonine 194 retained).
Molecular consequence: synonymous variant. On other transcripts: intron variant (3).
Genome position (GRCh38, 1-based): chr19:49,909,226, C>T on the plus strand (G>A on the coding strand, the complement: NUP62 is on the minus strand). VCF-style: chr19-49909226-C-T. GRCh37 (hg19) VCF-style: chr19-50412483-C-T.
Other names: c.582G>A, p.Thr194= (NM_001193357.2, NM_012346.5, NM_153718.4 and 1 more transcripts); c.-227-4905G>A (NM_001258017.2, NM_172374.3); c.-285-4905G>A (NM_001258018.2).
Identifiers: ClinVar variation 727480 (VCV000727480.15), dbSNP rs146962258, ClinGen allele CA9589104.
Genomic context (GRCh38, chr19:49,909,226, plus strand): 5'-GATGGTGGCTGTGGGTGTGGGAGCAGCTGGCTGTGTGGCACCTGCTGTGGTGGCTGCTGG[C>T]GTGGCCGGAGTGAAGGGCAACGTGGCAGGTGCCGTGGGCTGGGCTGAATTCCCTGCTGAG-3'
Protein context (NP_057637.2, residues 184-204): APATLPFTPA[Thr194=]PAATTAGATQ

ClinVar aggregate classification (germline): Benign/Likely benign. Review status: criteria provided, multiple submitters, no conflicts (2 of 4 stars). 4 submissions from 4 submitters: Benign (1); Likely benign (2). 1 of the submissions does not count toward it. Last evaluated 2026-04-01.

Conditions:
NUP62-related disorder. Also called: NUP62-related condition.

Allele frequency attached by ClinVar (database versions not stated): ESP Exome Variant Server 0.00123; TOPMed 0.00104; gnomAD exomes 0.00029; ExAC 0.00033; gnomAD 0.00102.
gnomAD v4.1: 270 of 1,613,812 alleles (0.017%); highest among the groups gnomAD compares: African/African-American, 0.29%; no homozygotes.

Submissions (4):

CeGaT Center for Human Genetics Tuebingen
Classification: Likely benign. Last evaluated: 2026-04-01. Review status: criteria provided, single submitter. Criteria: CeGaT Center For Human Genetics Tuebingen Variant Classification Criteria Version 2. Collection method: clinical testing. Allele origin: germline. Affected: yes. Observed: 1 variant allele.
Comment: NUP62: BP4, BP7

Labcorp Genetics (formerly Invitae), Labcorp
Classification: Benign. Last evaluated: 2025-10-07. Review status: criteria provided, single submitter. Criteria: Invitae Variant Classification Sherloc (09022015). Collection method: clinical testing. Allele origin: germline.

Blueprint Genetics
Classification: Likely benign. Last evaluated: 2024-10-18. Review status: criteria provided, single submitter. Criteria: ACMG Guidelines, 2015. Collection method: clinical testing. Allele origin: germline.

PreventionGenetics, part of Exact Sciences
Classification: Likely benign for NUP62-related condition. Last evaluated: 2019-05-02. Review status: no assertion criteria provided. Collection method: clinical testing. Allele origin: germline. Not counted in ClinVar's aggregate classification.
Comment: This variant is classified as likely benign based on ACMG/AMP sequence variant interpretation guidelines (Richards et al. 2015 PMID: 25741868, with internal and published modifications).